The following is an entry in ClinVar:

ClinVar aggregate classification (germline): Likely pathogenic (1 of 4 stars; one submission).

Conditions:
Familial isolated deficiency of vitamin E (AVED). Also called: ATAXIA, FRIEDREICH-LIKE, WITH SELECTIVE VITAMIN E DEFICIENCY; Ataxia with isolated vitamin E deficiency. Identifiers: Orphanet 96, MedGen C1848533, MONDO:0010188, OMIM 277460.

Submission:

Juno Genomics, Hangzhou Juno Genomics, Inc
Classification: Likely pathogenic for Familial isolated deficiency of vitamin E. Review status: criteria provided, single submitter. Criteria: ACMG Guidelines, 2015. Collection method: clinical testing. Allele origin: germline.
Comment: Absent from controls (or at extremely low frequency if recessive) in Genome Aggregation Database.;Null variant in a gene where loss of function (LOF) is a known mechanism of disease.

NM_000370.3(TTPA):c.532A>T (p.Lys178Ter)

Gene: TTPA (alpha tocopherol transfer protein; minus strand). Cytogenetic location: 8q12.3.
Variant type: single nucleotide variant.
Coding change: c.532A>T on transcript NM_000370.3 (MANE Select); coding-DNA position 532, A replaced by T.
Protein change: p.Lys178Ter; replaces lysine 178 with a stop codon.
Molecular consequence: nonsense. On other transcripts: non-coding transcript variant (2), intron variant (3).
Genome position (GRCh38, 1-based): chr8:63,065,924, T>A on the plus strand (A>T on the coding strand, the complement: TTPA is on the minus strand). VCF-style: chr8-63065924-T-A. GRCh37 (hg19) VCF-style: chr8-63978483-T-A.
Other names: c.532A>T, p.Lys178Ter (NM_001413416.1); c.649A>T, p.Lys217Ter (NM_001413418.1); c.205-4499A>T (NM_001413417.1); c.205-1608A>T (NM_001413414.1); c.359-4499A>T (NM_001413415.1); short protein forms K178*, K217*.
Identifiers: ClinVar variation 5019068 (VCV005019068.2).